The following is an entry in ClinVar:

ClinVar aggregate classification (germline): Uncertain significance (1 of 4 stars; one submission).

gnomAD v4.1: 4 of 1,614,214 alleles (0.00025%); highest among the groups gnomAD compares: Non-Finnish European, 0.00025%; no homozygotes.

Submission:

Ambry Genetics
Classification: Uncertain significance. Last evaluated: 2025-09-26. Review status: criteria provided, single submitter. Criteria: Ambry Variant Classification Scheme 2023. Collection method: clinical testing. Allele origin: germline.
Comment: The p.H45L variant (also known as c.134A>T), located in coding exon 1 of the CDK12 gene, results from an A to T substitution at nucleotide position 134. The histidine at codon 45 is replaced by leucine, an amino acid with similar properties. This amino acid position is conserved. In addition, the in silico prediction for this alteration is inconclusive. Based on the available evidence, the clinical significance of this variant remains unclear.

NM_016507.4(CDK12):c.134A>T (p.His45Leu)

Genes: CDK12 (cyclin dependent kinase 12; plus strand), LOC126862553 (CDK7 strongly-dependent group 2 enhancer GRCh37_chr17:37618166-37619365; plus strand). Cytogenetic location: 17q12.
Variant type: single nucleotide variant.
Coding change: c.134A>T on transcript NM_016507.4 (MANE Select); coding-DNA position 134, A replaced by T.
Protein change: p.His45Leu; replaces histidine 45 with leucine.
Molecular consequence: missense variant.
Genome position (GRCh38, 1-based): chr17:39,462,205, A>T. VCF-style: chr17-39462205-A-T. GRCh37 (hg19) VCF-style: chr17-37618458-A-T.
Other names: c.134A>T, p.His45Leu (NM_015083.4); short protein forms H45L.
Identifiers: ClinVar variation 4651333 (VCV004651333.1).